The following is an entry in ClinVar:

ClinVar aggregate classification (germline): Pathogenic (1 of 4 stars; one submission).

Conditions:
Cornelia de Lange syndrome 1 (CDLS1). Also called: NIPBL-Related Cornelia de Lange Syndrome; Brachmann de Lange syndrome; TYPUS DEGENERATIVUS AMSTELODAMENSIS. Identifiers: Orphanet 199, MedGen C4551851, MONDO:0007387, OMIM 122470.

Submission:

Labcorp Genetics (formerly Invitae), Labcorp
Classification: Pathogenic for Cornelia de Lange syndrome 1. Last evaluated: 2022-06-13. Review status: criteria provided, single submitter. Criteria: Invitae Variant Classification Sherloc (09022015). Collection method: clinical testing. Allele origin: germline.
Comment: For these reasons, this variant has been classified as Pathogenic. This sequence change replaces threonine, which is neutral and polar, with proline, which is neutral and non-polar, at codon 2068 of the NIPBL protein (p.Thr2068Pro). This variant is not present in population databases (gnomAD no frequency). This missense change has been observed in individual(s) with NIPBL-related conditions (Invitae). In at least one individual the variant was observed to be de novo. Advanced modeling of protein sequence and biophysical properties (such as structural, functional, and spatial information, amino acid conservation, physicochemical variation, residue mobility, and thermodynamic stability) performed at Invitae indicates that this missense variant is expected to disrupt NIPBL protein function.

NM_133433.4(NIPBL):c.6202A>C (p.Thr2068Pro)

Gene: NIPBL (NIPBL cohesin loading factor; plus strand). Cytogenetic location: 5p13.2.
Variant type: single nucleotide variant.
Coding change: c.6202A>C on transcript NM_133433.4 (MANE Select); coding-DNA position 6202, A replaced by C.
Protein change: p.Thr2068Pro; replaces threonine 2068 with proline.
Molecular consequence: missense variant.
Genome position (GRCh38, 1-based): chr5:37,044,440, A>C. VCF-style: chr5-37044440-A-C. GRCh37 (hg19) VCF-style: chr5-37044542-A-C.
Other names: c.6202A>C, p.Thr2068Pro (NM_015384.5); short protein forms T2068P.
Identifiers: ClinVar variation 2109872 (VCV002109872.4), dbSNP rs1270894276, ClinGen allele CA359502323.
Genomic context (GRCh38, chr5:37,044,440, plus strand): 5'-GCAAAAATCCTAGAGCTAGTTGTACCACTGATGGAGCATCCAAGTGAAACTTTTCTTGCC[A>C]CTATTGAGGAAGATCTAATGAAGCTCATCATCAAATATGGCATGACTGTAAGCACTCAGT-3'
Protein context (NP_597677.2, residues 2058-2078): MEHPSETFLA[Thr2068Pro]IEEDLMKLII